The following is an entry in ClinVar:

NM_001291303.3(FAT4):c.13605G>A (p.Lys4535=)

Gene: FAT4 (FAT atypical cadherin 4; plus strand). Cytogenetic location: 4q28.1.
Variant type: single nucleotide variant.
Coding change: c.13605G>A on transcript NM_001291303.3 (MANE Select); coding-DNA position 13605, G replaced by A.
Protein change: p.Lys4535=; no amino-acid change (lysine 4535 retained).
Molecular consequence: synonymous variant.
Genome position (GRCh38, 1-based): chr4:125,490,421, G>A. VCF-style: chr4-125490421-G-A. GRCh37 (hg19) VCF-style: chr4-126411576-G-A.
Other names: c.13602G>A, p.Lys4534= (NM_001291285.3); c.13599G>A, p.Lys4533= (NM_024582.6).
Identifiers: ClinVar variation 381278 (VCV000381278.29), dbSNP rs75469760, ClinGen allele CA3074398.

ClinVar aggregate classification (germline): Benign. Review status: criteria provided, multiple submitters, no conflicts (2 of 4 stars). 7 submissions from 7 submitters: Benign (5). 2 of the submissions do not count toward it. Last evaluated 2026-02-03.

Allele frequency attached by ClinVar (database versions not stated): 1000 Genomes Project 30x 0.00406; 1000 Genomes Project 0.00479; ExAC 0.00997; ESP Exome Variant Server 0.01000; TOPMed 0.01012; gnomAD exomes 0.01017 and 0.01393; gnomAD 0.01024 and 0.01048.
gnomAD v4.1: 21,831 of 1,614,098 alleles (1.4%); highest among the groups gnomAD compares: Middle Eastern, 1.7%; 202 homozygotes.

Submissions (7):

Labcorp Genetics (formerly Invitae), Labcorp
Classification: Benign. Last evaluated: 2026-02-03. Review status: criteria provided, single submitter. Criteria: Invitae Variant Classification Sherloc (09022015). Collection method: clinical testing. Allele origin: germline.

ARUP Laboratories, Molecular Genetics and Genomics, ARUP Laboratories
Classification: Benign. Last evaluated: 2023-10-26. Review status: criteria provided, single submitter. Criteria: ARUP Molecular Germline Variant Investigation Process 2024. Collection method: clinical testing. Allele origin: germline.

Genetic Services Laboratory, University of Chicago
Classification: Benign. Last evaluated: 2018-01-18. Review status: criteria provided, single submitter. Criteria: ACMG Guidelines, 2015. Collection method: clinical testing. Allele origin: germline. Affected: no.

GeneDx
Classification: Benign. Last evaluated: 2016-02-25. Review status: criteria provided, single submitter. Criteria: GeneDx Variant Classification (06012015). Collection method: clinical testing. Allele origin: germline. Affected: yes.
Comment: This variant is considered likely benign or benign based on one or more of the following criteria: it is a conservative change, it occurs at a poorly conserved position in the protein, it is predicted to be benign by multiple in silico algorithms, and/or has population frequency not consistent with disease.

Breakthrough Genomics
Classification: Benign. Review status: criteria provided, single submitter. Criteria: ACMG Guidelines, 2015. Collection method: not provided. Allele origin: germline. Inheritance: Autosomal recessive inheritance. Affected: yes.

Clinical Genetics DNA and cytogenetics Diagnostics Lab, Erasmus MC, Erasmus Medical Center
Classification: Likely benign. Review status: no assertion criteria provided. Collection method: clinical testing. Allele origin: germline. Affected: yes. Study: VKGL Data-share Consensus. Not counted in ClinVar's aggregate classification.

Clinical Genetics, Academic Medical Center
Classification: Benign. Review status: no assertion criteria provided. Collection method: clinical testing. Allele origin: germline. Affected: yes. Study: VKGL Data-share Consensus. Not counted in ClinVar's aggregate classification.